The following is an entry in ClinVar:

NM_003738.5(PTCH2):c.387C>G (p.Pro129=)

Gene: PTCH2 (patched 2; minus strand). Cytogenetic location: 1p34.1.
Variant type: single nucleotide variant.
Coding change: c.387C>G on transcript NM_003738.5 (MANE Select); coding-DNA position 387, C replaced by G.
Protein change: p.Pro129=; no amino-acid change (proline 129 retained).
Molecular consequence: synonymous variant.
Genome position (GRCh38, 1-based): chr1:44,832,220, G>C on the plus strand (C>G on the coding strand, the complement: PTCH2 is on the minus strand). VCF-style: chr1-44832220-G-C. GRCh37 (hg19) VCF-style: chr1-45297892-G-C.
Other names: c.387C>G, p.Pro129= (NM_001166292.2).
Identifiers: ClinVar variation 2021796 (VCV002021796.28), dbSNP rs772262804, ClinGen allele CA417563034.

ClinVar aggregate classification (germline): Likely benign. Review status: criteria provided, multiple submitters, no conflicts (2 of 4 stars). 2 submissions from 2 submitters: Likely benign (2). Last evaluated 2024-03-15.

Conditions:
Gorlin syndrome. Also called: Nevoid Basal Cell Carcinoma Syndrome; Basal cell nevus syndrome. Identifiers: Orphanet 377, MedGen C0004779, MONDO:0007187.

gnomAD v4.1: 2 of 1,614,148 alleles (0.00012%); highest among the groups gnomAD compares: East Asian, 0.0022%; no homozygotes.

Submissions (2):

Labcorp Genetics (formerly Invitae), Labcorp
Classification: Likely benign for Gorlin syndrome. Last evaluated: 2024-03-15. Review status: criteria provided, single submitter. Criteria: Invitae Variant Classification Sherloc (09022015). Collection method: clinical testing. Allele origin: germline.

CeGaT Center for Human Genetics Tuebingen
Classification: Likely benign. Last evaluated: 2022-11-01. Review status: criteria provided, single submitter. Criteria: CeGaT Center For Human Genetics Tuebingen Variant Classification Criteria Version 2. Collection method: clinical testing. Allele origin: germline. Affected: yes. Observed: 1 variant allele.
Comment: PTCH2: PM2:Supporting, BP4, BP7